The following is an entry in ClinVar:

NM_001098402.2(ZBTB21):c.2601C>T (p.Asp867=)

Gene: ZBTB21 (zinc finger and BTB domain containing 21; minus strand). Cytogenetic location: 21q22.3.
Variant type: single nucleotide variant.
Coding change: c.2601C>T on transcript NM_001098402.2 (MANE Select); coding-DNA position 2601, C replaced by T.
Protein change: p.Asp867=; no amino-acid change (aspartic acid 867 retained).
Molecular consequence: synonymous variant.
Genome position (GRCh38, 1-based): chr21:41,991,495, G>A on the plus strand (C>T on the coding strand, the complement: ZBTB21 is on the minus strand). VCF-style: chr21-41991495-G-A. GRCh37 (hg19) VCF-style: chr21-43411604-G-A.
Other names: c.2601C>T, p.Asp867= (NM_020727.5, NM_001320731.2); c.1998C>T, p.Asp666= (NM_001098403.2, NM_001320729.2).
Identifiers: ClinVar variation 5041481 (VCV005041481.1).
Genomic context (GRCh38, chr21:41,991,495, plus strand): 5'-TTCAGCCTCCTCCACAGGCTCCTCTTTGACTTGGATTTTCAGTTGCTTGGAAAGACTAAG[G>A]TCTTCGGGAAGACAAGAGGAATCTTCCGAGTCGAAGTTAACTTGTTCTGAAGAATCACTG-3'
Protein context (NP_001091872.1, residues 857-877): DSEDSSCLPE[Asp867=]LSLSKQLKIQ

ClinVar aggregate classification (germline): Likely benign (1 of 4 stars; one submission).

gnomAD v4.1: 2 of 1,614,136 alleles (0.00012%); highest among the groups gnomAD compares: Admixed American, 0.0017%; no homozygotes.

Submission:

CeGaT Center for Human Genetics Tuebingen
Classification: Likely benign. Last evaluated: 2026-09-01. Review status: criteria provided, single submitter. Criteria: CeGaT Center For Human Genetics Tuebingen Variant Classification Criteria Version 2. Collection method: clinical testing. Allele origin: germline. Affected: yes. Observed: 1 variant allele.
Comment: ZBTB21: BP4, BP7